The following is an entry in ClinVar:

ClinVar aggregate classification (germline): Likely benign. Review status: criteria provided, multiple submitters, no conflicts (2 of 4 stars). 3 submissions from 3 submitters: Likely benign (2). 1 of the submissions does not count toward it. Last evaluated 2024-11-14.

Conditions:
BLTP1-related disorder. Also called: BLTP1-related condition.

Allele frequency attached by ClinVar (database versions not stated): 1000 Genomes Project 30x 0.00016; 1000 Genomes Project 0.00020; ExAC 0.00051; TOPMed 0.00058; gnomAD 0.00064; ESP Exome Variant Server 0.00081; gnomAD exomes 0.00098.
gnomAD v4.1: 1,509 of 1,613,736 alleles (0.094%); highest among the groups gnomAD compares: Non-Finnish European, 0.12%; no homozygotes.

Submissions (3):

Blueprint Genetics
Classification: Likely benign. Last evaluated: 2024-11-14. Review status: criteria provided, single submitter. Criteria: ACMG Guidelines, 2015. Collection method: clinical testing. Allele origin: germline.

CeGaT Center for Human Genetics Tuebingen
Classification: Likely benign. Last evaluated: 2022-11-01. Review status: criteria provided, single submitter. Criteria: CeGaT Center For Human Genetics Tuebingen Variant Classification Criteria Version 2. Collection method: clinical testing. Allele origin: germline. Affected: yes. Observed: 1 variant allele.
Comment: BLTP1: BP4, BP7

PreventionGenetics, part of Exact Sciences
Classification: Likely benign for BLTP1-related condition. Last evaluated: 2019-08-07. Review status: no assertion criteria provided. Collection method: clinical testing. Allele origin: germline. Not counted in ClinVar's aggregate classification.
Comment: This variant is classified as likely benign based on ACMG/AMP sequence variant interpretation guidelines (Richards et al. 2015 PMID: 25741868, with internal and published modifications).

NM_001384125.1(BLTP1):c.14166A>G (p.Ser4722=)

Gene: BLTP1 (bridge-like lipid transfer protein family member 1; plus strand). Cytogenetic location: 4q27.
Variant type: single nucleotide variant.
Coding change: c.14166A>G on transcript NM_001384125.1 (MANE Select); coding-DNA position 14166, A replaced by G.
Protein change: p.Ser4722=; no amino-acid change (serine 4722 retained).
Molecular consequence: synonymous variant.
Genome position (GRCh38, 1-based): chr4:122,352,956, A>G. VCF-style: chr4-122352956-A-G. GRCh37 (hg19) VCF-style: chr4-123274111-A-G.
Other names: c.13902A>G, p.Ser4634= (NM_015312.4); c.13902A>G (NM_015312.3).
Identifiers: ClinVar variation 2655069 (VCV002655069.26), dbSNP rs76135502, ClinGen allele CA3068306.